The following is an entry in ClinVar:

NM_017934.7(PHIP):c.3760G>A (p.Asp1254Asn)

Genes: IRAK1BP1 (interleukin 1 receptor associated kinase 1 binding protein 1; plus strand), PHIP (PHIP subunit of CUL4-Ring ligase complex; minus strand). Cytogenetic location: 6q14.1.
Variant type: single nucleotide variant.
Coding change: c.3760G>A on transcript NM_017934.7 (MANE Select); coding-DNA position 3760, G replaced by A.
Protein change: p.Asp1254Asn; replaces aspartic acid 1254 with asparagine.
Molecular consequence: missense variant.
Genome position (GRCh38, 1-based): chr6:78,958,497, C>T on the plus strand (G>A on the coding strand, the complement: PHIP is on the minus strand). VCF-style: chr6-78958497-C-T. GRCh37 (hg19) VCF-style: chr6-79668214-C-T.
Other names: c.3760G>A (NM_017934.5); short protein forms D1254N.
Identifiers: ClinVar variation 3700127 (VCV003700127.3).

ClinVar aggregate classification (germline): Uncertain significance. Review status: criteria provided, multiple submitters, no conflicts (2 of 4 stars). 2 submissions from 2 submitters: Uncertain significance (2). Last evaluated 2026-05-05.

Conditions:
Inborn genetic diseases. Identifiers: MedGen C0950123, MeSH D030342.

gnomAD v4.1: 5 of 1,541,956 alleles (0.00032%); highest among the groups gnomAD compares: Non-Finnish European, 0.00045%; no homozygotes.

Submissions (2):

Ambry Genetics
Classification: Uncertain significance for Inborn genetic diseases. Last evaluated: 2026-05-05. Review status: criteria provided, single submitter. Criteria: Ambry Variant Classification Scheme 2023. Collection method: clinical testing. Allele origin: germline.
Comment: The c.3760G>A (p.D1254N) alteration is located in exon 32 (coding exon 32) of the PHIP gene. This alteration results from a G to A substitution at nucleotide position 3760, causing the aspartic acid (D) at amino acid position 1254 to be replaced by an asparagine (N). Based on data from gnomAD, the A allele has an overall frequency of <0.001% (1/250274) total alleles studied. The highest observed frequency was 0.001% (1/113264) of European (non-Finnish) alleles. Based on insufficient or conflicting evidence, the clinical significance of this alteration remains unclear.

Labcorp Genetics (formerly Invitae), Labcorp
Classification: Uncertain significance. Last evaluated: 2024-03-03. Review status: criteria provided, single submitter. Criteria: Invitae Variant Classification Sherloc (09022015). Collection method: clinical testing. Allele origin: germline.
Comment: This sequence change replaces aspartic acid, which is acidic and polar, with asparagine, which is neutral and polar, at codon 1254 of the PHIP protein (p.Asp1254Asn). The frequency data for this variant in the population databases is considered unreliable, as metrics indicate poor data quality at this position in the gnomAD database. This variant has not been reported in the literature in individuals affected with PHIP-related conditions. Advanced modeling of protein sequence and biophysical properties (such as structural, functional, and spatial information, amino acid conservation, physicochemical variation, residue mobility, and thermodynamic stability) performed at Invitae indicates that this missense variant is not expected to disrupt PHIP protein function with a negative predictive value of 80%. In summary, the available evidence is currently insufficient to determine the role of this variant in disease. Therefore, it has been classified as a Variant of Uncertain Significance.